The following is an entry in ClinVar:

ClinVar aggregate classification (germline): Pathogenic (1 of 4 stars; one submission).

Conditions:
Charlevoix-Saguenay spastic ataxia (SACS). Also called: AUTOSOMAL RECESSIVE SPASTIC ATAXIA OF CHARLEVOIX-SAGUENAY; Spastic ataxia of Charlevoix-Saguenay; SPASTIC ATAXIA 6, AUTOSOMAL RECESSIVE. Identifiers: Orphanet 98, MedGen C1849140, MONDO:0010041, OMIM 270550.

Submission:

Myriad Genetics, Inc.
Classification: Pathogenic for Charlevoix-Saguenay spastic ataxia. Last evaluated: 2026-05-21. Review status: criteria provided, single submitter. Criteria: Myriad Autosomal Dominant, Autosomal Recessive and X-Linked Classification Criteria (2023). Collection method: clinical testing. Allele origin: unknown.
Comment: NM_014363.4(SACS):c.8291C>G(S2764*) is a nonsense variant classified as pathogenic in the context of autosomal recessive spastic ataxia of Charlevoix-Saguenay. S2764* has not been observed in cases with relevant disease. Relevant functional assessments of this variant are not available in the literature. S2764* has not been observed in referenced population frequency databases. In summary, NM_014363.4(SACS):c.8291C>G(S2764*) is a nonsense variant in a gene where loss of function is a known mechanism of disease and is predicted to disrupt protein function. Please note: this variant was assessed in the context of healthy population screening.

NM_014363.6(SACS):c.8291C>G (p.Ser2764Ter)

Gene: SACS (sacsin molecular chaperone; minus strand). Cytogenetic location: 13q12.12.
Variant type: single nucleotide variant.
Coding change: c.8291C>G on transcript NM_014363.6 (MANE Select); coding-DNA position 8291, C replaced by G.
Protein change: p.Ser2764Ter; replaces serine 2764 with a stop codon.
Molecular consequence: nonsense.
Genome position (GRCh38, 1-based): chr13:23,335,585, G>C on the plus strand (C>G on the coding strand, the complement: SACS is on the minus strand). VCF-style: chr13-23335585-G-C. GRCh37 (hg19) VCF-style: chr13-23909724-G-C.
Other names: c.7850C>G, p.Ser2617Ter (NM_001278055.2); c.8318C>G, p.Ser2773Ter (NM_001437336.1); short protein forms S2617*, S2773*, S2764*.
Identifiers: ClinVar variation 5004606 (VCV005004606.1).